The following is an entry in ClinVar:

ClinVar aggregate classification (germline): Likely benign. Review status: criteria provided, single submitter (1 of 4 stars). 2 submissions from 2 submitters: Likely benign (1). 1 of the submissions does not count toward it. Last evaluated 2023-11-16.

Conditions:
USP26-related disorder. Also called: USP26-related condition.

Allele frequency attached by ClinVar (database versions not stated): gnomAD 0.00001; TOPMed 0.00001; ExAC 0.00002.
gnomAD v4.1: 16 of 1,208,110 alleles (0.0013%); highest among the groups gnomAD compares: Middle Eastern, 0.069%; no homozygotes.

Submissions (2):

Blueprint Genetics
Classification: Likely benign. Last evaluated: 2023-11-16. Review status: criteria provided, single submitter. Criteria: ACMG Guidelines, 2015. Collection method: clinical testing. Allele origin: germline.

PreventionGenetics, part of Exact Sciences
Classification: Likely benign for USP26-related condition. Last evaluated: 2019-08-20. Review status: no assertion criteria provided. Collection method: clinical testing. Allele origin: germline. Not counted in ClinVar's aggregate classification.
Comment: This variant is classified as likely benign based on ACMG/AMP sequence variant interpretation guidelines (Richards et al. 2015 PMID: 25741868, with internal and published modifications).

NM_031907.3(USP26):c.1500G>A (p.Glu500=)

Gene: USP26 (ubiquitin specific peptidase 26; minus strand). Cytogenetic location: Xq26.2.
Variant type: single nucleotide variant.
Coding change: c.1500G>A on transcript NM_031907.3 (MANE Select); coding-DNA position 1500, G replaced by A.
Protein change: p.Glu500=; no amino-acid change (glutamic acid 500 retained).
Molecular consequence: synonymous variant.
Genome position (GRCh38, 1-based): chrX:133,026,721, C>T on the plus strand (G>A on the coding strand, the complement: USP26 is on the minus strand). VCF-style: chrX-133026721-C-T. GRCh37 (hg19) VCF-style: chrX-132160749-C-T.
Identifiers: ClinVar variation 3043124 (VCV003043124.3), dbSNP rs778825409, ClinGen allele CA10519879.